The following is an entry in ClinVar:

NM_006371.5(CRTAP):c.459C>G (p.Phe153Leu)

Gene: CRTAP (cartilage associated protein; plus strand). Cytogenetic location: 3p22.3.
Variant type: single nucleotide variant.
Coding change: c.459C>G on transcript NM_006371.5 (MANE Select); coding-DNA position 459, C replaced by G.
Protein change: p.Phe153Leu; replaces phenylalanine 153 with leucine.
Molecular consequence: missense variant.
Genome position (GRCh38, 1-based): chr3:33,114,536, C>G. VCF-style: chr3-33114536-C-G. GRCh37 (hg19) VCF-style: chr3-33156028-C-G.
Other names: short protein forms F153L.
Identifiers: ClinVar variation 969457 (VCV000969457.4), dbSNP rs531119589, ClinGen allele CA2300280.

ClinVar aggregate classification (germline): Uncertain significance (1 of 4 stars; one submission).

Conditions:
Osteogenesis imperfecta type 7 (OI7). Also called: OSTEOGENESIS IMPERFECTA, TYPE IIB; Osteogenesis imperfecta type 2B; OI type 2B; Osteogenesis imperfecta, perinatal lethal autosomal recessive; OI type IIB; OI type 7. Identifiers: MedGen C1853162, MONDO:0012536, OMIM 610682.

Allele frequency attached by ClinVar (database versions not stated): TOPMed 0.00001; gnomAD exomes 0.00011; 1000 Genomes Project 0.00020; ExAC 0.00026; 1000 Genomes Project 30x 0.00047.
gnomAD v4.1: 95 of 1,599,966 alleles (0.0059%); highest among the groups gnomAD compares: South Asian, 0.098%; no homozygotes.

Submission:

Labcorp Genetics (formerly Invitae), Labcorp
Classification: Uncertain significance for Osteogenesis imperfecta type 7. Last evaluated: 2022-02-15. Review status: criteria provided, single submitter. Criteria: Invitae Variant Classification Sherloc (09022015). Collection method: clinical testing. Allele origin: germline.
Comment: This sequence change replaces phenylalanine, which is neutral and non-polar, with leucine, which is neutral and non-polar, at codon 153 of the CRTAP protein (p.Phe153Leu). This variant is present in population databases (rs531119589, gnomAD 0.09%). This variant has not been reported in the literature in individuals affected with CRTAP-related conditions. ClinVar contains an entry for this variant (Variation ID: 969457). Algorithms developed to predict the effect of missense changes on protein structure and function (SIFT, PolyPhen-2, Align-GVGD) all suggest that this variant is likely to be tolerated. In summary, the available evidence is currently insufficient to determine the role of this variant in disease. Therefore, it has been classified as a Variant of Uncertain Significance.